The following is an entry in ClinVar:

NM_005188.4(CBL):c.1565C>G (p.Ala522Gly)

Gene: CBL (Cbl proto-oncogene; plus strand). Cytogenetic location: 11q23.3.
Variant type: single nucleotide variant.
Coding change: c.1565C>G on transcript NM_005188.4 (MANE Select); coding-DNA position 1565, C replaced by G.
Protein change: p.Ala522Gly; replaces alanine 522 with glycine.
Molecular consequence: missense variant.
Genome position (GRCh38, 1-based): chr11:119,285,190, C>G. VCF-style: chr11-119285190-C-G. GRCh37 (hg19) VCF-style: chr11-119155900-C-G.
Other names: short protein forms A522G.
Identifiers: ClinVar variation 3996017 (VCV003996017.1).

ClinVar aggregate classification (germline): Uncertain significance (1 of 4 stars; one submission).

Conditions:
Cardiovascular phenotype. Identifiers: MedGen CN230736.

Submission:

Ambry Genetics
Classification: Uncertain significance for Cardiovascular phenotype. Last evaluated: 2025-04-13. Review status: criteria provided, single submitter. Criteria: Ambry Variant Classification Scheme 2023. Collection method: clinical testing. Allele origin: germline.
Comment: The p.A522G variant (also known as c.1565C>G), located in coding exon 11 of the CBL gene, results from a C to G substitution at nucleotide position 1565. The alanine at codon 522 is replaced by glycine, an amino acid with similar properties. This amino acid position is conserved. In addition, this alteration is predicted to be tolerated by in silico analysis. Based on the available evidence, the clinical significance of this variant remains unclear.